The following is an entry in ClinVar:

ClinVar aggregate classification (germline): Uncertain significance (1 of 4 stars; one submission).

Conditions:
CACNA1I-related disorder. Also called: CACNA1I-related condition.

Submission:

PreventionGenetics, part of Exact Sciences
Classification: Uncertain significance for CACNA1I-related condition. Last evaluated: 2026-01-14. Review status: criteria provided, single submitter. Criteria: ACMG Guidelines, 2015. Collection method: clinical testing. Allele origin: germline.
Comment: The CACNA1I c.5040G>C variant is predicted to result in the amino acid substitution p.Trp1680Cys. To our knowledge, this variant has not been reported in the literature or in a large population database (gnomAD), indicating this variant is rare. At this time, the clinical significance of this variant is uncertain due to the absence of conclusive functional and genetic evidence.

NM_021096.4(CACNA1I):c.5040G>C (p.Trp1680Cys)

Gene: CACNA1I (calcium voltage-gated channel subunit alpha1 I; plus strand). Cytogenetic location: 22q13.1.
Variant type: single nucleotide variant.
Coding change: c.5040G>C on transcript NM_021096.4 (MANE Select); coding-DNA position 5040, G replaced by C.
Protein change: p.Trp1680Cys; replaces tryptophan 1680 with cysteine.
Molecular consequence: missense variant.
Genome position (GRCh38, 1-based): chr22:39,678,093, G>C. VCF-style: chr22-39678093-G-C. GRCh37 (hg19) VCF-style: chr22-40074098-G-C.
Other names: c.4935G>C, p.Trp1645Cys (NM_001003406.2); short protein forms W1680C, W1645C.
Identifiers: ClinVar variation 4977794 (VCV004977794.1).